The following is an entry in ClinVar:

NM_033310.3(KCNK4):c.217G>A (p.Ala73Thr)

Genes: KCNK4 (potassium two pore domain channel subfamily K member 4; plus strand), KCNK4-CATSPERZ (KCNK4-CATSPERZ readthrough (NMD candidate); plus strand). Cytogenetic location: 11q13.1.
Variant type: single nucleotide variant.
Coding change: c.217G>A on transcript NM_033310.3 (MANE Select); coding-DNA position 217, G replaced by A.
Protein change: p.Ala73Thr; replaces alanine 73 with threonine.
Molecular consequence: missense variant. On other transcripts: non-coding transcript variant (3).
Genome position (GRCh38, 1-based): chr11:64,296,905, G>A. VCF-style: chr11-64296905-G-A. GRCh37 (hg19) VCF-style: chr11-64064377-G-A.
Other names: c.217G>A, p.Ala73Thr (NM_001317090.2); short protein forms A73T.
Identifiers: ClinVar variation 3365815 (VCV003365815.1).

ClinVar aggregate classification (germline): Uncertain significance (1 of 4 stars; one submission).

Submission:

GeneDx
Classification: Uncertain significance. Last evaluated: 2023-12-14. Review status: criteria provided, single submitter. Criteria: GeneDx Variant Classification Process June 2021. Collection method: clinical testing. Allele origin: germline. Affected: yes.
Comment: Not observed at significant frequency in large population cohorts (gnomAD); In silico analysis supports that this missense variant does not alter protein structure/function; Has not been previously published as pathogenic or benign to our knowledge